The following is an entry in ClinVar:

ClinVar aggregate classification (germline): Pathogenic (1 of 4 stars; one submission).

Conditions:
Carney complex, type 1 (CNC1). Also called: CARNEY MYXOMA-ENDOCRINE COMPLEX; CARNEY COMPLEX, TYPE I. Identifiers: Orphanet 1359, MedGen C2607929, MONDO:0008057, OMIM 160980.

Submission:

Labcorp Genetics (formerly Invitae), Labcorp
Classification: Pathogenic for Carney complex, type 1. Last evaluated: 2020-01-20. Review status: criteria provided, single submitter. Criteria: Invitae Variant Classification Sherloc (09022015). Collection method: clinical testing. Allele origin: germline.
Comment: Loss-of-function variants in PRKAR1A are known to be pathogenic (PMID: 11115848, 19293268). For these reasons, this variant has been classified as Pathogenic. Algorithms developed to predict the effect of sequence changes on RNA splicing suggest that this variant may disrupt the consensus splice site, but this prediction has not been confirmed by published transcriptional studies. This variant has not been reported in the literature in individuals with PRKAR1A-related conditions. This variant is not present in population databases (ExAC no frequency). This sequence change creates a premature translational stop signal (p.Asn144Metfs*18) in the PRKAR1A gene. It is expected to result in an absent or disrupted protein product.

Literature cited by the submitters: PubMed 11115848; PubMed 19293268.

NM_002734.5(PRKAR1A):c.431_440del (p.Asn144fs)

Gene: PRKAR1A (protein kinase cAMP-dependent type I regulatory subunit alpha; plus strand). Cytogenetic location: 17q24.2.
Variant type: Deletion.
Coding change: c.431_440del on transcript NM_002734.5 (MANE Select); coding-DNA positions 431 to 440, 10 bases deleted (ATGAGAGAAG; older notation c.431_440delATGAGAGAAG).
Protein change: p.Asn144fs; shifts the reading frame from asparagine 144.
Molecular consequence: frameshift variant.
Genome position (GRCh38, 1-based): chr17:68,523,807-68,523,816, ATGAGAGAAG deleted. VCF-style (leftmost placement, unchanged base first): chr17-68523806-AATGAGAGAAG-A. GRCh37 (hg19) VCF-style: chr17-66519947-AATGAGAGAAG-A.
Other names: c.431_440del, p.Asn144fs (NM_001276289.2, NM_001276290.1, NM_001278433.2 and 4 more transcripts); short protein forms N144fs.
Identifiers: ClinVar variation 836915 (VCV000836915.7), dbSNP rs2085693506, ClinGen allele CA916081922.
Genomic context (GRCh38, chr17:68,523,806, plus strand): 5'-ACAATGGCCGCTTTAGCCAAAGCCATTGAAAAGAATGTGCTGTTTTCACATCTTGATGAT[AATGAGAGAAG>A]GTAGGAACAGGCTCTTTCTTAACACTATTTTTCAAGTAAGGGTGTGATCCCAAATTGTTT-3'